The following is an entry in ClinVar:

ClinVar aggregate classification (germline): Pathogenic (1 of 4 stars; one submission).

Conditions:
Glycine encephalopathy. Also called: Non-ketotic hyperglycinemia; Nonketotic hyperglycinemia. Identifiers: Orphanet 407, MedGen C0751748, MONDO:0011612, HP:0008288.

Submission:

Labcorp Genetics (formerly Invitae), Labcorp
Classification: Pathogenic for Glycine encephalopathy. Last evaluated: 2018-10-13. Review status: criteria provided, single submitter. Criteria: Invitae Variant Classification Sherloc (09022015). Collection method: clinical testing. Allele origin: germline.
Comment: For these reasons, this variant has been classified as Pathogenic. Loss-of-function variants in AMT are known to be pathogenic (PMID: 16450403). Algorithms developed to predict the effect of sequence changes on RNA splicing suggest that this variant may create or strengthen a splice site, but this prediction has not been confirmed by published transcriptional studies. This variant has not been reported in the literature in individuals with AMT-related disease. This variant is not present in population databases (ExAC no frequency). This sequence change creates a premature translational stop signal (p.Gln86*) in the AMT gene. It is expected to result in an absent or disrupted protein product.

Literature cited by the submitters: PubMed 16450403.

NM_000481.4(AMT):c.256C>T (p.Gln86Ter)

Gene: AMT (aminomethyltransferase; minus strand). Cytogenetic location: 3p21.31.
Variant type: single nucleotide variant.
Coding change: c.256C>T on transcript NM_000481.4 (MANE Select); coding-DNA position 256, C replaced by T.
Protein change: p.Gln86Ter; replaces glutamine 86 with a stop codon.
Molecular consequence: nonsense. On other transcripts: non-coding transcript variant (1), intron variant (1).
Genome position (GRCh38, 1-based): chr3:49,422,106, G>A on the plus strand (C>T on the coding strand, the complement: AMT is on the minus strand). VCF-style: chr3-49422106-G-A. GRCh37 (hg19) VCF-style: chr3-49459539-G-A.
Other names: c.256C>T, p.Gln86Ter (NM_001164710.2, NM_001164712.2); c.90+255C>T (NM_001164711.2); short protein forms Q86*.
Identifiers: ClinVar variation 660464 (VCV000660464.6), dbSNP rs1575308888, ClinGen allele CA352791009.